The following is an entry in ClinVar:

ClinVar aggregate classification (germline): Pathogenic (1 of 4 stars; one submission).

Submission:

Labcorp Genetics (formerly Invitae), Labcorp
Classification: Pathogenic. Last evaluated: 2024-02-14. Review status: criteria provided, single submitter. Criteria: Invitae Variant Classification Sherloc (09022015). Collection method: clinical testing. Allele origin: germline.
Comment: This sequence change creates a premature translational stop signal (p.Ile1523Serfs*11) in the CDK5RAP2 gene. It is expected to result in an absent or disrupted protein product. Loss-of-function variants in CDK5RAP2 are known to be pathogenic (PMID: 15793586, 20460369, 26436113). This variant is not present in population databases (gnomAD no frequency). This variant has not been reported in the literature in individuals affected with CDK5RAP2-related conditions. For these reasons, this variant has been classified as Pathogenic.

Literature cited by the submitters: PubMed 15793586; PubMed 20460369; PubMed 26436113.

NM_018249.6(CDK5RAP2):c.4566del (p.Ile1523fs)

Gene: CDK5RAP2 (CDK5 regulatory subunit associated protein 2; minus strand). Cytogenetic location: 9q33.2.
Variant type: Deletion.
Coding change: c.4566del on transcript NM_018249.6 (MANE Select); coding-DNA position 4566, one base deleted (G; older notation c.4566delG).
Protein change: p.Ile1523fs; shifts the reading frame from isoleucine 1523.
Molecular consequence: frameshift variant. On other transcripts: non-coding transcript variant (5).
Genome position (GRCh38, 1-based): chr9:120,409,165, C deleted on the plus strand (G on the coding strand, the reverse complement: CDK5RAP2 is on the minus strand). VCF-style (leftmost placement, unchanged base first): chr9-120409164-TC-T. GRCh37 (hg19) VCF-style: chr9-123171442-TC-T.
Other names: c.4566del, p.Ile1523fs (NM_001011649.3); c.3876del, p.Ile1293fs (NM_001272039.2); c.4467del, p.Ile1490fs (NM_001410992.1); c.4470del, p.Ile1491fs (NM_001410993.1); c.4563del, p.Ile1522fs (NM_001410994.1); short protein forms I1490fs, I1522fs, I1293fs, I1523fs, I1491fs.
Identifiers: ClinVar variation 2731926 (VCV002731926.3), dbSNP rs2538899239, ClinGen allele CA2697558002.